The following is an entry in ClinVar:

NM_000744.7(CHRNA4):c.390C>T (p.Asp130=)

Gene: CHRNA4 (cholinergic receptor nicotinic alpha 4 subunit; minus strand). Cytogenetic location: 20q13.33.
Variant type: single nucleotide variant.
Coding change: c.390C>T on transcript NM_000744.7 (MANE Select); coding-DNA position 390, C replaced by T.
Protein change: p.Asp130=; no amino-acid change (aspartic acid 130 retained).
Molecular consequence: synonymous variant. On other transcripts: 5 prime UTR variant (1), non-coding transcript variant (1).
Genome position (GRCh38, 1-based): chr20:63,351,021, G>A on the plus strand (C>T on the coding strand, the complement: CHRNA4 is on the minus strand). VCF-style: chr20-63351021-G-A. GRCh37 (hg19) VCF-style: chr20-61982373-G-A.
Other names: c.-139C>T (NM_001256573.2).
Identifiers: ClinVar variation 1153880 (VCV001153880.33), dbSNP rs375014053, ClinGen allele CA9957809.
Genomic context (GRCh38, chr20:63,351,021, plus strand): 5'-CTGCACCCGCCCGTCATGGAACAGGTGGGCCTTGGTCAGGTGGGTGACCGCGAAGTCCCC[G>A]TCAGCACTGGGCAGGAAGAGAGCGAAGGGTGTGAGACCCCCACATCCATGCCCACGTCCA-3'
Protein context (NP_000735.1, residues 120-140): RPDIVLYNNA[Asp130=]GDFAVTHLTK

ClinVar aggregate classification (germline): Likely benign. Review status: criteria provided, multiple submitters, no conflicts (2 of 4 stars). 3 submissions from 3 submitters: Likely benign (3). Last evaluated 2025-08-20.

Conditions:
Familial sleep-related hypermotor epilepsy. Also called: Autosomal Dominant Sleep-Related Hypermotor (Hyperkinetic) Epilepsy. Identifiers: Orphanet 98784, MedGen C3696898, MONDO:0000030.

Allele frequency attached by ClinVar (database versions not stated): gnomAD exomes 0.00001 and 0.00003; ExAC 0.00002; gnomAD 0.00002; TOPMed 0.00002; ESP Exome Variant Server 0.00015.
gnomAD v4.1: 44 of 1,612,182 alleles (0.0027%); highest among the groups gnomAD compares: Non-Finnish European, 0.0033%; no homozygotes.

Submissions (3):

Labcorp Genetics (formerly Invitae), Labcorp
Classification: Likely benign. Last evaluated: 2025-08-20. Review status: criteria provided, single submitter. Criteria: Invitae Variant Classification Sherloc (09022015). Collection method: clinical testing. Allele origin: germline.

Blueprint Genetics
Classification: Likely benign. Last evaluated: 2024-11-05. Review status: criteria provided, single submitter. Criteria: ACMG Guidelines, 2015. Collection method: clinical testing. Allele origin: germline.

CeGaT Center for Human Genetics Tuebingen
Classification: Likely benign. Last evaluated: 2023-02-01. Review status: criteria provided, single submitter. Criteria: CeGaT Center For Human Genetics Tuebingen Variant Classification Criteria Version 2. Collection method: clinical testing. Allele origin: germline. Affected: yes. Observed: 1 variant allele.
Comment: CHRNA4: BP4, BP7